The following is an entry in ClinVar:

ClinVar aggregate classification (germline): Uncertain significance (1 of 4 stars; one submission).

Allele frequency attached by ClinVar (database versions not stated): TOPMed below 0.00001; gnomAD 0.00001.
gnomAD v4.1: 7 of 1,613,538 alleles (0.00043%); highest among the groups gnomAD compares: Non-Finnish European, 0.00059%; no homozygotes.

Submission:

GeneDx
Classification: Uncertain significance. Last evaluated: 2020-05-13. Review status: criteria provided, single submitter. Criteria: GeneDx Variant Classification Process June 2021. Collection method: clinical testing. Allele origin: germline. Affected: yes.
Comment: Not observed in large population cohorts (Lek et al., 2016); In silico analysis supports that this missense variant has a deleterious effect on protein structure/function; In-silico analysis, which includes splice predictors and evolutionary conservation, is inconclusive as to whether the variant alters gene splicing. In the absence of RNA/functional studies, the actual effect of this sequence change is unknown.; This variant is associated with the following publications: (PMID: 30949559)

NM_207111.4(RNF216):c.1988C>T (p.Pro663Leu)

Gene: RNF216 (ring finger protein 216; minus strand). Cytogenetic location: 7p22.1.
Variant type: single nucleotide variant.
Coding change: c.1988C>T on transcript NM_207111.4 (MANE Select); coding-DNA position 1988, C replaced by T.
Protein change: p.Pro663Leu; replaces proline 663 with leucine.
Molecular consequence: missense variant.
Genome position (GRCh38, 1-based): chr7:5,711,834, G>A on the plus strand (C>T on the coding strand, the complement: RNF216 is on the minus strand). VCF-style: chr7-5711834-G-A. GRCh37 (hg19) VCF-style: chr7-5751465-G-A.
Other names: c.1817C>T, p.Pro606Leu (NM_001377156.1, NM_207116.3); short protein forms P606L, P663L.
Identifiers: ClinVar variation 1310428 (VCV001310428.2), dbSNP rs1344249112, ClinGen allele CA366719968.